The following is an entry in ClinVar:

NM_001371623.1(TCOF1):c.1300_1389del (p.Pro434_Ala463del)

Gene: TCOF1 (treacle ribosome biogenesis factor 1; plus strand). Cytogenetic location: 5q32.
Variant type: Deletion.
Coding change: c.1300_1389del on transcript NM_001371623.1 (MANE Select); coding-DNA positions 1300 to 1389, 90 bases deleted.
Protein change: p.Pro434_Ala463del.
Genome position (GRCh38, 1-based): chr5:150,374,975-150,375,064, 90 bases deleted. GRCh37 (hg19): chr5:149,754,538-149,754,627.
Other names: c.1300_1389del, p.Pro434_Ala463del (NM_001195141.2, NM_001008657.3, NM_001135243.2 and 1 more transcripts); c.1069_1158del, p.Pro357_Ala386del (NM_000356.4, NM_001135245.2).
Identifiers: ClinVar variation 3725251 (VCV003725251.1).

ClinVar aggregate classification (germline): Uncertain significance (1 of 4 stars; one submission).

Conditions:
Treacher Collins syndrome 1 (TCS1). Also called: TCOF1-Related Treacher Collins Syndrome. Identifiers: Orphanet 861, MedGen CN315775, MONDO:0007944, OMIM 154500.

Submission:

Labcorp Genetics (formerly Invitae), Labcorp
Classification: Uncertain significance for Treacher Collins syndrome 1. Last evaluated: 2024-12-03. Review status: criteria provided, single submitter. Criteria: Invitae Variant Classification Sherloc (09022015). Collection method: clinical testing. Allele origin: germline.
Comment: This variant, c.1300_1389del, results in the deletion of 30 amino acid(s) of the TCOF1 protein (p.Pro434_Ala463del), but otherwise preserves the integrity of the reading frame. This variant is not present in population databases (gnomAD no frequency). This variant has not been reported in the literature in individuals affected with TCOF1-related conditions. Experimental studies and prediction algorithms are not available or were not evaluated, and the functional significance of this variant is currently unknown. In summary, the available evidence is currently insufficient to determine the role of this variant in disease. Therefore, it has been classified as a Variant of Uncertain Significance.